The following is an entry in ClinVar:

NM_173660.5(DOK7):c.886C>T (p.Gln296Ter)

Gene: DOK7 (docking protein 7; plus strand). Cytogenetic location: 4p16.3.
Variant type: single nucleotide variant.
Coding change: c.886C>T on transcript NM_173660.5 (MANE Select); coding-DNA position 886, C replaced by T.
Protein change: p.Gln296Ter; replaces glutamine 296 with a stop codon.
Molecular consequence: nonsense. On other transcripts: 3 prime UTR variant (1), 5 prime UTR variant (1).
Genome position (GRCh38, 1-based): chr4:3,492,872, C>T. VCF-style: chr4-3492872-C-T. GRCh37 (hg19) VCF-style: chr4-3494599-C-T.
Other names: c.454C>T, p.Gln152Ter (NM_001363811.2); c.*107C>T (NM_001164673.2); c.-45C>T (NM_001256896.2); c.886C>T, p.Gln296Ter (NM_001301071.2); short protein forms Q152*, Q296*.
Identifiers: ClinVar variation 3241345 (VCV003241345.4), dbSNP rs1460112018.
Genomic context (GRCh38, chr4:3,492,872, plus strand): 5'-AGCGCCAGCAGCCGGCTCACCGCATGGCCAGAGCAATCCTCGTCGTCAGCCAGCACGTCA[C>T]AGGAGGGGCCTAGACCAGCAGCTGCCCAGGCCGCCGGGGAAGCCATGGTGGGTGCCTCAA-3'

ClinVar aggregate classification (germline): Likely pathogenic. Review status: criteria provided, multiple submitters, no conflicts (2 of 4 stars). 3 submissions from 3 submitters: Likely pathogenic (3). Last evaluated 2024-03-11.

Conditions:
Fetal akinesia deformation sequence 3. Identifiers: MedGen C4760599, MONDO:0100103, OMIM 618389.
Congenital myasthenic syndrome 10. Also called: Myasthenia, limb-girdle, familial. Identifiers: Orphanet 590, MedGen C1850792, MONDO:0009690, OMIM 254300.

Allele frequency attached by ClinVar (database versions not stated): TOPMed 0.00001.
gnomAD v4.1: 5 of 1,606,482 alleles (0.00031%); highest among the groups gnomAD compares: East Asian, 0.0045%; no homozygotes.

Submissions (3):

Baylor Genetics
Classification: Likely pathogenic for Fetal akinesia deformation sequence 3. Last evaluated: 2024-03-11. Review status: criteria provided, single submitter. Criteria: ACMG Guidelines, 2015. Collection method: clinical testing. Allele origin: unknown.

Fulgent Genetics
Classification: Likely pathogenic for Congenital myasthenic syndrome 10; Fetal akinesia deformation sequence 3. Last evaluated: 2024-03-07. Review status: criteria provided, single submitter. Criteria: ACMG Guidelines, 2015. Collection method: clinical testing. Allele origin: germline.

Juno Genomics, Hangzhou Juno Genomics, Inc
Classification: Likely pathogenic for Fetal akinesia deformation sequence 3; Congenital myasthenic syndrome 10. Review status: criteria provided, single submitter. Criteria: ACMG Guidelines, 2015. Collection method: clinical testing. Allele origin: germline.
Comment: Absent from controls (or at extremely low frequency if recessive) in Genome Aggregation Database.;Null variant in a gene where loss of function (LOF) is a known mechanism of disease.